The following is an entry in ClinVar:

NM_017671.5(FERMT1):c.-105C>G

Gene: FERMT1 (FERM domain containing kindlin 1; minus strand). Cytogenetic location: 20p12.3.
Variant type: single nucleotide variant.
Coding change: c.-105C>G on transcript NM_017671.5 (MANE Select); 105 bases upstream of the start codon, C replaced by G.
Molecular consequence: 5 prime UTR variant.
Genome position (GRCh38, 1-based): chr20:6,122,860, G>C on the plus strand (C>G on the coding strand, the complement: FERMT1 is on the minus strand). VCF-style: chr20-6122860-G-C. GRCh37 (hg19) VCF-style: chr20-6103507-G-C.
Identifiers: ClinVar variation 339239 (VCV000339239.8), dbSNP rs6139922, ClinGen allele CA10653350.

ClinVar aggregate classification (germline): Benign. Review status: criteria provided, multiple submitters, no conflicts (2 of 4 stars). 3 submissions from 3 submitters: Benign (3). Last evaluated 2018-11-11.

Conditions:
Kindler syndrome (KNDLRS). Also called: BULLOUS ACROKERATOTIC POIKILODERMA OF KINDLER AND WEARY; POIKILODERMA, CONGENITAL, WITH BULLAE, WEARY TYPE; POIKILODERMA, HEREDITARY ACROKERATOTIC; Hereditary acrokeratotic poikiloderma of Weary; Poikiloderma of Kindler; Congenital bullous poikiloderma. Identifiers: Orphanet 2908, Orphanet 306539, MedGen C0406557, MONDO:0008260, OMIM 173650.

Allele frequency attached by ClinVar (database versions not stated): gnomAD exomes 0.21809; TOPMed 0.29355; gnomAD 0.29734; 1000 Genomes Project 30x 0.34853; 1000 Genomes Project 0.35343.
gnomAD v4.1: 46,358 of 152,540 alleles (30%); highest among the groups gnomAD compares: South Asian, 53%; 7,596 homozygotes.

Submissions (3):

GeneDx
Classification: Benign. Last evaluated: 2018-11-11. Review status: criteria provided, single submitter. Criteria: GeneDx Variant Classification Process June 2021. Collection method: clinical testing. Allele origin: germline. Affected: yes.

Illumina Laboratory Services, Illumina
Classification: Benign for Kindler syndrome. Last evaluated: 2018-01-13. Review status: criteria provided, single submitter. Criteria: ICSL Variant Classification Criteria 13 December 2019. Collection method: clinical testing. Allele origin: germline.
Comment: This variant was observed in the ICSL laboratory as part of a predisposition screen in an ostensibly healthy population. It had not been previously curated by ICSL or reported in the Human Gene Mutation Database (HGMD: prior to June 1st, 2018), and was therefore a candidate for classification through an automated scoring system. Utilizing variant allele frequency, disease prevalence and penetrance estimates, and inheritance mode, an automated score was calculated to assess if this variant is too frequent to cause the disease. Based on the score and internal cut-off values, a variant classified as benign is not then subjected to further curation. The score for this variant resulted in a classification of benign for this disease.

Breakthrough Genomics
Classification: Benign. Review status: criteria provided, single submitter. Criteria: ACMG Guidelines, 2015. Collection method: not provided. Allele origin: germline. Inheritance: Autosomal recessive inheritance. Affected: yes.